The following is an entry in ClinVar:

NM_181458.4(PAX3):c.1174-2A>G

Gene: PAX3 (paired box 3; minus strand). Cytogenetic location: 2q36.1.
Variant type: single nucleotide variant.
Coding change: c.1174-2A>G on transcript NM_181458.4 (MANE Select); the canonical splice acceptor site of the intron before coding-DNA position 1174, A replaced by G.
Molecular consequence: splice acceptor variant. On other transcripts: intron variant (2).
Genome position (GRCh38, 1-based): chr2:222,202,192, T>C on the plus strand (A>G on the coding strand, the complement: PAX3 is on the minus strand). VCF-style: chr2-222202192-T-C. GRCh37 (hg19) VCF-style: chr2-223066911-T-C.
Other names: c.1171-2A>G (NM_001127366.3); c.1174-750A>G (NM_181460.4, NM_181461.4); c.1174-2A>G (NM_181459.4, NM_181457.4).
Identifiers: ClinVar variation 2746537 (VCV002746537.3), dbSNP rs2469197395, ClinGen allele CA351115940.

ClinVar aggregate classification (germline): Likely pathogenic (1 of 4 stars; one submission).

Submission:

Labcorp Genetics (formerly Invitae), Labcorp
Classification: Likely pathogenic. Last evaluated: 2023-05-29. Review status: criteria provided, single submitter. Criteria: Invitae Variant Classification Sherloc (09022015). Collection method: clinical testing. Allele origin: germline.
Comment: In summary, the currently available evidence indicates that the variant is pathogenic, but additional data are needed to prove that conclusively. Therefore, this variant has been classified as Likely Pathogenic. Variants that disrupt the consensus splice site are a relatively common cause of aberrant splicing (PMID: 17576681, 9536098). Algorithms developed to predict the effect of sequence changes on RNA splicing suggest that this variant may disrupt the consensus splice site. Disruption of this splice site has been observed in individuals with clinical features of Waardenburg syndrome (PMID: 27759048; Invitae). It has also been observed to segregate with disease in related individuals. This variant is not present in population databases (gnomAD no frequency). This sequence change affects an acceptor splice site in intron 7 of the PAX3 gene. While this variant is not anticipated to result in nonsense mediated decay, it likely alters RNA splicing and results in a disrupted protein product.

Literature cited by the submitters: PubMed 17576681; PubMed 9536098; PubMed 27759048.